The following is an entry in ClinVar:

NM_017739.4(POMGNT1):c.1055_1059del (p.Gly352fs)

Genes: POMGNT1 (protein O-linked mannose N-acetylglucosaminyltransferase 1 (beta 1,2-); minus strand), TSPAN1 (tetraspanin 1; plus strand). Cytogenetic location: 1p34.1.
Variant type: Deletion.
Coding change: c.1055_1059del on transcript NM_017739.4 (MANE Select); coding-DNA positions 1055 to 1059, 5 bases deleted (GTCTG; older notation c.1055_1059delGTCTG).
Protein change: p.Gly352fs; shifts the reading frame from glycine 352.
Molecular consequence: frameshift variant.
Genome position (GRCh38, 1-based): chr1:46,193,356-46,193,360, CAGAC deleted on the plus strand (GTCTG on the coding strand, the reverse complement: POMGNT1 is on the minus strand); deleting any 5 consecutive bases within chr1:46,193,356-46,193,362 gives the same sequence; the c. name uses the placement nearest the transcript's 3' end. VCF-style (leftmost placement, unchanged base first): chr1-46193355-TCAGAC-T. GRCh37 (hg19) VCF-style: chr1-46659027-TCAGAC-T.
Other names: c.1055_1059del, p.Gly352fs (NM_001243766.2, NM_001410783.1); c.987_991delTGGTC, p.Gly330Glufs (NM_001290129.3); c.626_630del, p.Gly209fs (NM_001290130.2); short protein forms G330fs, G352fs, G209fs.
Identifiers: ClinVar variation 1996060 (VCV001996060.4), dbSNP rs2525406886, ClinGen allele CA2580062942.
Genomic context (GRCh38, chr1:46,193,355, plus strand): 5'-TATGCAGTACCTGAGACACGCGGGCATTCTTGATGCTGATGGGAGTATGCTGGATGCCCC[TCAGAC>T]CAAACAGTGCCACCACATCCATGGGTTCCTGGGGGACATGGCCACTGCTCACCATGTGAG-3'

ClinVar aggregate classification (germline): Pathogenic (1 of 4 stars; one submission).

Conditions:
Autosomal recessive limb-girdle muscular dystrophy type 2O. Also called: Limb-Girdle Muscular Dystrophy Type 3C; MUSCULAR DYSTROPHY-DYSTROGLYCANOPATHY (LIMB-GIRDLE), TYPE C, 3; MUSCULAR DYSTROPHY-DYSTROGLYCANOPATHY, LIMB-GIRDLE, POMGNT1-RELATED. Identifiers: Orphanet 206564, MedGen C3150417, MONDO:0013161, OMIM 613157.
Muscular dystrophy-dystroglycanopathy (congenital with impaired intellectual development), type B, 3. Also called: MUSCULAR DYSTROPHY, CONGENITAL, POMGNT1-RELATED; Muscular dystrophy-dystroglycanopathy (congenital with intellectual disability), type B3. Identifiers: MedGen C3150412, MONDO:0013155, OMIM 613151.

Submission:

Labcorp Genetics (formerly Invitae), Labcorp
Classification: Pathogenic for Autosomal recessive limb-girdle muscular dystrophy type 2O; Muscular dystrophy-dystroglycanopathy (congenital with impaired intellectual development), type B, 3. Last evaluated: 2023-05-22. Review status: criteria provided, single submitter. Criteria: Invitae Variant Classification Sherloc (09022015). Collection method: clinical testing. Allele origin: germline.
Comment: This sequence change creates a premature translational stop signal (p.Gly352Glufs*64) in the POMGNT1 gene. It is expected to result in an absent or disrupted protein product. Loss-of-function variants in POMGNT1 are known to be pathogenic (PMID: 19299310, 20816175, 21447391, 26908613, 27391550). This variant is not present in population databases (gnomAD no frequency). This variant has not been reported in the literature in individuals affected with POMGNT1-related conditions. ClinVar contains an entry for this variant (Variation ID: 1996060). For these reasons, this variant has been classified as Pathogenic.

Literature cited by the submitters: PubMed 19299310; PubMed 20816175; PubMed 21447391; PubMed 26908613; PubMed 27391550.